The following is an entry in ClinVar:

ClinVar aggregate classification (germline): Uncertain significance (1 of 4 stars; one submission).

Conditions:
Beta-D-mannosidosis (MANSB). Also called: MANNOSIDOSIS, BETA A, LYSOSOMAL; BETA-MANNOSIDASE DEFICIENCY; LYSOSOMAL BETA-MANNOSIDASE DEFICIENCY; Beta-Mannosidosis. Identifiers: Orphanet 118, MedGen C4048196, MONDO:0009562, OMIM 248510.

Submission:

Neuberg Centre For Genomic Medicine, NCGM
Classification: Uncertain significance for Beta-D-mannosidosis. Last evaluated: 2023-05-20. Review status: criteria provided, single submitter. Criteria: ACMG Guidelines, 2015. Collection method: clinical testing. Allele origin: germline. Inheritance: Autosomal recessive inheritance. Affected: yes.
Comment: The observed missense c.1115T>C (p.Leu372Ser) variant in MANBA gene has not been reported previously as a pathogenic variant nor as a benign variant, to our knowledge. The p.Leu372Ser variant is present with an allele frequency of 0.0004% on gnomAD exomes database. This variant has not been submitted to the ClinVar database. Multiple lines of computational evidence (SIFT - damaging; Polyphen - probably damaging; MutationTaster - disease causing) predict a damaging effect on protein structure and function for this variant. The amino acid change p.Leu372Ser in MANBA is predicted as conserved by GERP++ and PhyloP across 100 vertebrates. The amino acid Leu at position 372 is changed to a Ser changing protein sequence and it might alter its composition and physico-chemical properties. For these reasons, this variant has been classified as a Variant of Uncertain Significance (VUS).

NM_005908.4(MANBA):c.1115T>C (p.Leu372Ser)

Gene: MANBA (mannosidase beta; minus strand). Cytogenetic location: 4q24.
Variant type: single nucleotide variant.
Coding change: c.1115T>C on transcript NM_005908.4 (MANE Select); coding-DNA position 1115, T replaced by C.
Protein change: p.Leu372Ser; replaces leucine 372 with serine.
Molecular consequence: missense variant.
Genome position (GRCh38, 1-based): chr4:102,671,396, A>G on the plus strand (T>C on the coding strand, the complement: MANBA is on the minus strand). VCF-style: chr4-102671396-A-G. GRCh37 (hg19) VCF-style: chr4-103592553-A-G.
Other names: short protein forms L372S.
Identifiers: ClinVar variation 3341377 (VCV003341377.1).
Genomic context (GRCh38, chr4:102,671,396, plus strand): 5'-CCTCCCCAAACCCGAAGAGTATTCATATTAGCATCCACAACAGACTGTAAAAGGAGCCGT[A>G]ACCTGTAGAAGACATTTTAGAAACAAATCATAATTTGGAAAAAAAAAACAGATTGTGACA-3'
Protein context (NP_005899.3, residues 362-382): SFQDRVTSEL[Leu372Ser]RLLLQSVVDA